The following is an entry in ClinVar:

NM_021939.4(FKBP10):c.246-245A>G

Gene: FKBP10 (FKBP prolyl isomerase 10; plus strand). Cytogenetic location: 17q21.2.
Variant type: single nucleotide variant.
Coding change: c.246-245A>G on transcript NM_021939.4 (MANE Select); 245 bases into the intron before coding-DNA position 246, A replaced by G.
Molecular consequence: intron variant.
Genome position (GRCh38, 1-based): chr17:41,816,813, A>G. VCF-style: chr17-41816813-A-G. GRCh37 (hg19) VCF-style: chr17-39973065-A-G.
Identifiers: ClinVar variation 682701 (VCV000682701.1), dbSNP rs12938766, ClinGen allele CA14402028.

ClinVar aggregate classification (germline): Benign (1 of 4 stars; one submission).

Allele frequency attached by ClinVar (database versions not stated): gnomAD 0.81102 and 0.81620; 1000 Genomes Project 30x 0.81355; TOPMed 0.81481; 1000 Genomes Project 0.81629.
gnomAD v4.1: 124,356 of 152,238 alleles (82%); highest among the groups gnomAD compares: East Asian, 93%; 51,519 homozygotes.

Submission:

GeneDx
Classification: Benign. Last evaluated: 2018-06-19. Review status: criteria provided, single submitter. Criteria: GeneDx Variant Classification (06012015). Collection method: clinical testing. Allele origin: germline. Affected: yes.
Comment: This variant is considered likely benign or benign based on one or more of the following criteria: it is a conservative change, it occurs at a poorly conserved position in the protein, it is predicted to be benign by multiple in silico algorithms, and/or has population frequency not consistent with disease.